The following is an entry in ClinVar:

NM_022836.4(DCLRE1B):c.944C>G (p.Ser315Cys)

Gene: DCLRE1B (DNA cross-link repair 1B; plus strand). Cytogenetic location: 1p13.2.
Variant type: single nucleotide variant.
Coding change: c.944C>G on transcript NM_022836.4 (MANE Select); coding-DNA position 944, C replaced by G.
Protein change: p.Ser315Cys; replaces serine 315 with cysteine.
Molecular consequence: missense variant.
Genome position (GRCh38, 1-based): chr1:113,911,536, C>G. VCF-style: chr1-113911536-C-G. GRCh37 (hg19) VCF-style: chr1-114454158-C-G.
Other names: c.566C>G, p.Ser189Cys (NM_001319946.2, NM_001319947.2, NM_001363691.2); c.944C>G, p.Ser315Cys (NM_001363690.2); short protein forms S315C, S189C.
Identifiers: ClinVar variation 948999 (VCV000948999.11), dbSNP rs368157267, ClinGen allele CA1016496.

ClinVar aggregate classification (germline): Uncertain significance. Review status: criteria provided, multiple submitters, no conflicts (2 of 4 stars). 2 submissions from 2 submitters: Uncertain significance (2). Last evaluated 2025-12-02.

Conditions:
Autosomal recessive dyskeratosis congenita. Identifiers: MedGen C3502105.
Hoyeraal-Hreidarsson syndrome (HHS). Also called: CEREBELLAR HYPOPLASIA WITH PANCYTOPENIA. Identifiers: Orphanet 3322, MedGen C1846142, MONDO:0018045.

Allele frequency attached by ClinVar (database versions not stated): gnomAD exomes 0.00001 and 0.00002; ExAC 0.00002; ESP Exome Variant Server 0.00008; gnomAD 0.00009 and 0.00010; TOPMed 0.00014.

Submissions (2):

Ambry Genetics
Classification: Uncertain significance. Last evaluated: 2025-12-02. Review status: criteria provided, single submitter. Criteria: Ambry Variant Classification Scheme 2023. Collection method: clinical testing. Allele origin: germline.

Labcorp Genetics (formerly Invitae), Labcorp
Classification: Uncertain significance for Hoyeraal-Hreidarsson syndrome; Autosomal recessive dyskeratosis congenita. Last evaluated: 2022-02-05. Review status: criteria provided, single submitter. Criteria: Invitae Variant Classification Sherloc (09022015). Collection method: clinical testing. Allele origin: germline.
Comment: In summary, the available evidence is currently insufficient to determine the role of this variant in disease. Therefore, it has been classified as a Variant of Uncertain Significance. Algorithms developed to predict the effect of missense changes on protein structure and function (SIFT, PolyPhen-2, Align-GVGD) all suggest that this variant is likely to be tolerated. ClinVar contains an entry for this variant (Variation ID: 948999). This variant has not been reported in the literature in individuals affected with DCLRE1B-related conditions. This variant is present in population databases (rs368157267, gnomAD 0.006%). This sequence change replaces serine, which is neutral and polar, with cysteine, which is neutral and slightly polar, at codon 315 of the DCLRE1B protein (p.Ser315Cys).